The following is an entry in ClinVar:

NM_006765.4(TUSC3):c.*83A>C

Gene: TUSC3 (tumor suppressor candidate 3; plus strand). Cytogenetic location: 8p22.
Variant type: single nucleotide variant.
Coding change: c.*83A>C on transcript NM_006765.4 (MANE Select); 83 bases downstream of the stop codon, A replaced by C.
Molecular consequence: 3 prime UTR variant.
Genome position (GRCh38, 1-based): chr8:15,764,239, A>C. VCF-style: chr8-15764239-A-C. GRCh37 (hg19) VCF-style: chr8-15621748-A-C.
Other names: c.*21A>C (NM_178234.2).
Identifiers: ClinVar variation 362315 (VCV000362315.6), dbSNP rs113086911, ClinGen allele CA4640816.
Genomic context (GRCh38, chr8:15,764,239, plus strand): 5'-ATAATAATTTTCTTTCTTTTTCAGCTTTTTAATTAAATGAAGCCAAGTGGGATTTGCATA[A>C]AGTGAATGTTTACCATGAAGATAAACTGTTCCTGACTTTATACTATTTTGAATTCATTCA-3'

ClinVar aggregate classification (germline): Likely benign. Review status: criteria provided, multiple submitters, no conflicts (2 of 4 stars). 2 submissions from 2 submitters: Likely benign (2). Last evaluated 2018-01-12.

Conditions:
Congenital disorder of glycosylation (CDG). Also called: Carbohydrate-deficient glycoprotein syndrome; Congenital disorders of glycosylation. Identifiers: Orphanet 137, MedGen C0282577, MONDO:0015286.

Allele frequency attached by ClinVar (database versions not stated): ExAC 0.00189; gnomAD 0.00599 and 0.00629; TOPMed 0.00646; ESP Exome Variant Server 0.00686; 1000 Genomes Project 30x 0.00718; 1000 Genomes Project 0.00759; gnomAD exomes 0.00061 and 0.00145.
gnomAD v4.1: 1,857 of 1,605,230 alleles (0.12%); highest among the groups gnomAD compares: African/African-American, 2.1%; 22 homozygotes.

Submissions (2):

Illumina Laboratory Services, Illumina
Classification: Likely benign for Congenital disorder of glycosylation. Last evaluated: 2018-01-12. Review status: criteria provided, single submitter. Criteria: ICSL Variant Classification Criteria 13 December 2019. Collection method: clinical testing. Allele origin: germline.
Comment: This variant was observed in the ICSL laboratory as part of a predisposition screen in an ostensibly healthy population. It had not been previously curated by ICSL or reported in the Human Gene Mutation Database (HGMD: prior to June 1st, 2018), and was therefore a candidate for classification through an automated scoring system. Utilizing variant allele frequency, disease prevalence and penetrance estimates, and inheritance mode, an automated score was calculated to assess if this variant is too frequent to cause the disease. Based on the score and internal cut-off values, a variant classified as likely benign is not then subjected to further curation. The score for this variant resulted in a classification of likely benign for this disease.

Breakthrough Genomics
Classification: Likely benign. Review status: criteria provided, single submitter. Criteria: ACMG Guidelines, 2015. Collection method: not provided. Allele origin: germline. Inheritance: Autosomal recessive inheritance. Affected: yes.